The following is an entry in ClinVar:

ClinVar aggregate classification (germline): Uncertain significance (1 of 4 stars; one submission).

Conditions:
Hereditary cancer-predisposing syndrome. Also called: Neoplastic Syndromes, Hereditary; Tumor predisposition; Hereditary Cancer Syndrome; Hereditary neoplastic syndrome. Identifiers: Orphanet 140162, MedGen C0027672, MeSH D009386, MONDO:0015356.

Submission:

Ambry Genetics
Classification: Uncertain significance for Hereditary cancer-predisposing syndrome. Last evaluated: 2020-09-03. Review status: criteria provided, single submitter. Criteria: Ambry Variant Classification Scheme 2023. Collection method: clinical testing. Allele origin: germline.
Comment: The p.L481F variant (also known as c.1441C>T), located in coding exon 9 of the RAD50 gene, results from a C to T substitution at nucleotide position 1441. The leucine at codon 481 is replaced by phenylalanine, an amino acid with highly similar properties. This amino acid position is highly conserved in available vertebrate species. In addition, this alteration is predicted to be tolerated by in silico analysis. Since supporting evidence is limited at this time, the clinical significance of this alteration remains unclear.

NM_005732.4(RAD50):c.1441C>T (p.Leu481Phe)

Gene: RAD50 (RAD50 double strand break repair protein; plus strand). Cytogenetic location: 5q31.1.
Variant type: single nucleotide variant.
Coding change: c.1441C>T on transcript NM_005732.4 (MANE Select); coding-DNA position 1441, C replaced by T.
Protein change: p.Leu481Phe; replaces leucine 481 with phenylalanine.
Molecular consequence: missense variant.
Genome position (GRCh38, 1-based): chr5:132,589,826, C>T. VCF-style: chr5-132589826-C-T. GRCh37 (hg19) VCF-style: chr5-131925518-C-T.
Other names: short protein forms L481F.
Identifiers: ClinVar variation 231398 (VCV000231398.5), dbSNP rs876659134, ClinGen allele CA10578528.
Genomic context (GRCh38, chr5:132,589,826, plus strand): 5'-AAGTATGAATTACAGCAGTTGGAAGGATCTTCAGACAGGATTCTTGAACTGGACCAGGAG[C>T]TCATAAAAGCTGTAAGATATTGTTTGAATAATCTAATAATTTTAAGATATAATACTTTTA-3'
Protein context (NP_005723.2, residues 471-491): SDRILELDQE[Leu481Phe]IKAERELSKA